The following is an entry in ClinVar:

NM_021629.4(GNB4):c.689A>G (p.Asn230Ser)

Gene: GNB4 (G protein subunit beta 4; minus strand). Cytogenetic location: 3q26.33.
Variant type: single nucleotide variant.
Coding change: c.689A>G on transcript NM_021629.4 (MANE Select); coding-DNA position 689, A replaced by G.
Protein change: p.Asn230Ser; replaces asparagine 230 with serine.
Molecular consequence: missense variant.
Genome position (GRCh38, 1-based): chr3:179,413,422, T>C on the plus strand (A>G on the coding strand, the complement: GNB4 is on the minus strand). VCF-style: chr3-179413422-T-C. GRCh37 (hg19) VCF-style: chr3-179131210-T-C.
Other names: short protein forms N230S.
Identifiers: ClinVar variation 1700746 (VCV001700746.5), dbSNP rs1459911526, ClinGen allele CA355469253.

ClinVar aggregate classification (germline): Uncertain significance. Review status: criteria provided, multiple submitters, no conflicts (2 of 4 stars). 2 submissions from 2 submitters: Uncertain significance (2). Last evaluated 2024-07-03.

Conditions:
Charcot-Marie-Tooth disease dominant intermediate F. Identifiers: Orphanet 352670, MedGen C4749463, MONDO:0014074, OMIM 615185.

Allele frequency attached by ClinVar (database versions not stated): gnomAD exomes below 0.00001 and 0.00001; TOPMed below 0.00001; gnomAD 0.00001.
gnomAD v4.1: 11 of 1,613,170 alleles (0.00068%); highest among the groups gnomAD compares: South Asian, 0.0011%; no homozygotes.

Submissions (2):

Labcorp Genetics (formerly Invitae), Labcorp
Classification: Uncertain significance for Charcot-Marie-Tooth disease dominant intermediate F. Last evaluated: 2024-07-03. Review status: criteria provided, single submitter. Criteria: Invitae Variant Classification Sherloc (09022015). Collection method: clinical testing. Allele origin: germline.
Comment: This sequence change replaces asparagine, which is neutral and polar, with serine, which is neutral and polar, at codon 230 of the GNB4 protein (p.Asn230Ser). This variant is present in population databases (no rsID available, gnomAD 0.0009%). This variant has not been reported in the literature in individuals affected with GNB4-related conditions. ClinVar contains an entry for this variant (Variation ID: 1700746). Advanced modeling of protein sequence and biophysical properties (such as structural, functional, and spatial information, amino acid conservation, physicochemical variation, residue mobility, and thermodynamic stability) performed at Invitae indicates that this missense variant is not expected to disrupt GNB4 protein function with a negative predictive value of 80%. In summary, the available evidence is currently insufficient to determine the role of this variant in disease. Therefore, it has been classified as a Variant of Uncertain Significance.

GeneDx
Classification: Uncertain significance. Last evaluated: 2022-02-14. Review status: criteria provided, single submitter. Criteria: GeneDx Variant Classification Process June 2021. Collection method: clinical testing. Allele origin: germline. Affected: yes.
Comment: Not observed at significant frequency in large population cohorts (gnomAD); In silico analysis supports that this missense variant has a deleterious effect on protein structure/function; Has not been previously published as pathogenic or benign to our knowledge